The following is an entry in ClinVar:

NM_005097.4(LGI1):c.1003A>G (p.Ile335Val)

Gene: LGI1 (leucine rich glioma inactivated 1; plus strand). Cytogenetic location: 10q23.33.
Variant type: single nucleotide variant.
Coding change: c.1003A>G on transcript NM_005097.4 (MANE Select); coding-DNA position 1003, A replaced by G.
Protein change: p.Ile335Val; replaces isoleucine 335 with valine.
Molecular consequence: missense variant. On other transcripts: non-coding transcript variant (1), intron variant (1).
Genome position (GRCh38, 1-based): chr10:93,797,132, A>G. VCF-style: chr10-93797132-A-G. GRCh37 (hg19) VCF-style: chr10-95556889-A-G.
Other names: c.859A>G, p.Ile287Val (NM_001308276.2); c.839-617A>G (NM_001308275.2); short protein forms I287V, I335V.
Identifiers: ClinVar variation 1061475 (VCV001061475.10), dbSNP rs2134026335, ClinGen allele CA377626965.

ClinVar aggregate classification (germline): Uncertain significance (1 of 4 stars; one submission).

Conditions:
Autosomal dominant epilepsy with auditory features. Identifiers: Orphanet 101046, MedGen C1838062, MONDO:0010898.

Allele frequency attached by ClinVar (database versions not stated): gnomAD exomes below 0.00001.
gnomAD v4.1: 1 of 1,614,226 alleles (0.000062%); highest among the groups gnomAD compares: Non-Finnish European, 0.000085%; no homozygotes.

Submission:

Labcorp Genetics (formerly Invitae), Labcorp
Classification: Uncertain significance for Autosomal dominant epilepsy with auditory features. Last evaluated: 2020-10-02. Review status: criteria provided, single submitter. Criteria: Invitae Variant Classification Sherloc (09022015). Collection method: clinical testing. Allele origin: germline.
Comment: This sequence change replaces isoleucine with valine at codon 335 of the LGI1 protein (p.Ile335Val). The isoleucine residue is moderately conserved and there is a small physicochemical difference between isoleucine and valine. This variant is not present in population databases (ExAC no frequency). This variant has not been reported in the literature in individuals with LGI1-related conditions. Algorithms developed to predict the effect of missense changes on protein structure and function (SIFT, PolyPhen-2, Align-GVGD) all suggest that this variant is likely to be tolerated, but these predictions have not been confirmed by published functional studies and their clinical significance is uncertain. In summary, the available evidence is currently insufficient to determine the role of this variant in disease. Therefore, it has been classified as a Variant of Uncertain Significance.